The following is an entry in ClinVar:

NM_024306.5(FA2H):c.201C>G (p.His67Gln)

Genes: FA2H (fatty acid 2-hydroxylase; minus strand), LOC130059394 (ATAC-STARR-seq lymphoblastoid silent region 7701; plus strand). Cytogenetic location: 16q23.1.
Variant type: single nucleotide variant.
Coding change: c.201C>G on transcript NM_024306.5 (MANE Select); coding-DNA position 201, C replaced by G.
Protein change: p.His67Gln; replaces histidine 67 with glutamine.
Molecular consequence: missense variant.
Genome position (GRCh38, 1-based): chr16:74,774,555, G>C on the plus strand (C>G on the coding strand, the complement: FA2H is on the minus strand). VCF-style: chr16-74774555-G-C. GRCh37 (hg19) VCF-style: chr16-74808453-G-C.
Other names: short protein forms H67Q.
Identifiers: ClinVar variation 2627474 (VCV002627474.1), dbSNP rs1962973337, ClinGen allele CA396768204.

ClinVar aggregate classification (germline): Uncertain significance (1 of 4 stars; one submission).

Conditions:
Hereditary spastic paraplegia 35. Also called: Spastic paraplegia 35; SPASTIC PARAPLEGIA 35, AUTOSOMAL RECESSIVE, WITH OR WITHOUT NEURODEGENERATION; LEUKODYSTROPHY, DYSMYELINATING, AND SPASTIC PARAPARESIS WITH OR WITHOUT DYSTONIA; Spastic paraplegia 35, autosomal recessive. Identifiers: Orphanet 171629, MedGen C3496228, MONDO:0012866, OMIM 612319.

Submission:

Neuberg Centre For Genomic Medicine, NCGM
Classification: Uncertain significance for Hereditary spastic paraplegia 35. Review status: criteria provided, single submitter. Criteria: ACMG Guidelines, 2015. Collection method: clinical testing. Allele origin: germline. Inheritance: Autosomal recessive inheritance. Affected: yes.
Comment: The missense variant p.H67Q in FA2H (NM_024306.5) has not been reported previously as a pathogenic variant nor as a benign variant, to our knowledge. The p.H67Q variant is novel (not in any individuals) in gnomAD Exomes and is novel (not in any individuals) in 1000 Genomes. The p.H67Q missense variant is predicted to be damaging by both SIFT and PolyPhen2. The histidine residue at codon 67 of FA2H is conserved in all mammalian species. The nucleotide c.201 in FA2H is predicted conserved by GERP++ and PhyloP across 100 vertebrates. For these reasons, this variant has been classified as Uncertain Significance.